The following is an entry in ClinVar:

ClinVar aggregate classification (germline): Uncertain significance (1 of 4 stars; one submission).

Allele frequency attached by ClinVar (database versions not stated): gnomAD exomes below 0.00001.
gnomAD v4.1: 1 of 1,551,598 alleles (0.000064%); highest among the groups gnomAD compares: Non-Finnish European, 0.000087%; no homozygotes.

Submission:

Labcorp Genetics (formerly Invitae), Labcorp
Classification: Uncertain significance. Last evaluated: 2022-08-23. Review status: criteria provided, single submitter. Criteria: Invitae Variant Classification Sherloc (09022015). Collection method: clinical testing. Allele origin: germline.
Comment: ClinVar contains an entry for this variant (Variation ID: 1418771). In summary, the available evidence is currently insufficient to determine the role of this variant in disease. Therefore, it has been classified as a Variant of Uncertain Significance. Algorithms developed to predict the effect of missense changes on protein structure and function are either unavailable or do not agree on the potential impact of this missense change (SIFT: "Not Available"; PolyPhen-2: "Probably Damaging"; Align-GVGD: "Not Available"). This variant has not been reported in the literature in individuals affected with UNC80-related conditions. This variant is not present in population databases (gnomAD no frequency). This sequence change replaces glutamic acid with aspartic acid at codon 2987 of the UNC80 protein (p.Glu2987Asp). The glutamic acid residue is weakly conserved and there is a small physicochemical difference between glutamic acid and aspartic acid.

NM_001371986.1(UNC80):c.9159A>C (p.Glu3053Asp)

Gene: UNC80 (unc-80 subunit of NALCN channel complex; plus strand). Cytogenetic location: 2q34.
Variant type: single nucleotide variant.
Coding change: c.9159A>C on transcript NM_001371986.1 (MANE Select); coding-DNA position 9159, A replaced by C.
Protein change: p.Glu3053Asp; replaces glutamic acid 3053 with aspartic acid.
Molecular consequence: missense variant.
Genome position (GRCh38, 1-based): chr2:209,982,219, A>C. VCF-style: chr2-209982219-A-C. GRCh37 (hg19) VCF-style: chr2-210846943-A-C.
Other names: c.8961A>C, p.Glu2987Asp (NM_032504.2); c.8946A>C, p.Glu2982Asp (NM_182587.4); short protein forms E3053D, E2982D, E2987D.
Identifiers: ClinVar variation 1418771 (VCV001418771.8), dbSNP rs2125023022, ClinGen allele CA350414875.